The following is an entry in ClinVar:

ClinVar aggregate classification (germline): Pathogenic (1 of 4 stars; one submission).

Conditions:
Methylmalonic acidemia with homocystinuria, type cblJ (MAHCJ). Also called: METHYLMALONIC ACIDURIA AND HOMOCYSTINURIA, cblJ TYPE. Identifiers: Orphanet 369955, MedGen C3553915, MONDO:0013925, OMIM 614857.

Submission:

Department of Genetics, Sultan Qaboos University Hospital
Classification: Pathogenic for Methylmalonic acidemia with homocystinuria, type cblJ. Last evaluated: 2026-04-01. Review status: criteria provided, single submitter. Criteria: ACMG Guidelines, 2015. Collection method: clinical testing. Allele origin: germline. Affected: yes. Observed: 1 variant allele.
Comment: PP3_Strong, PP4_Strong, PM2_Supporting

NM_005050.4(ABCD4):c.1276G>A (p.Gly426Ser)

Gene: ABCD4 (ATP binding cassette subfamily D member 4; minus strand). Cytogenetic location: 14q24.3.
Variant type: single nucleotide variant.
Coding change: c.1276G>A on transcript NM_005050.4 (MANE Select); coding-DNA position 1276, G replaced by A.
Protein change: p.Gly426Ser; replaces glycine 426 with serine.
Molecular consequence: missense variant. On other transcripts: non-coding transcript variant (10).
Genome position (GRCh38, 1-based): chr14:74,290,342, C>T on the plus strand (G>A on the coding strand, the complement: ABCD4 is on the minus strand). VCF-style: chr14-74290342-C-T. GRCh37 (hg19) VCF-style: chr14-74757045-C-T.
Other names: c.1150G>A, p.Gly384Ser (NM_001353591.2, NM_001353592.2); c.1015G>A, p.Gly339Ser (NM_001353593.2); c.964G>A, p.Gly322Ser (NM_001353594.2); c.862G>A, p.Gly288Ser (NM_001353595.2, NM_001353596.2); c.811G>A, p.Gly271Ser (NM_001353597.2); c.799G>A, p.Gly267Ser (NM_001353598.2, NM_001353599.2, NM_001353600.2 and 3 more transcripts); c.487G>A, p.Gly163Ser (NM_001353602.2, NM_001353603.2, NM_001353604.2 and 6 more transcripts); c.1276G>A, p.Gly426Ser (NM_001440752.1, NM_001440753.1, NM_020325.3); and 1 more; short protein forms G163S, G267S, G271S, G288S, G322S, G335S, G339S, G384S.
Identifiers: ClinVar variation 4852417 (VCV004852417.1).